The following is an entry in ClinVar:

ClinVar aggregate classification (germline): Uncertain significance. Review status: criteria provided, multiple submitters, no conflicts (2 of 4 stars). 2 submissions from 2 submitters: Uncertain significance (2). Last evaluated 2025-01-23.

Conditions:
Pancreatic adenocarcinoma. Identifiers: MedGen C0281361, MONDO:0006047, HP:0006725.

gnomAD v4.1: 2 of 1,614,084 alleles (0.00012%); no homozygotes.

Submissions (2):

Labcorp Genetics (formerly Invitae), Labcorp
Classification: Uncertain significance for Pancreatic adenocarcinoma. Last evaluated: 2025-01-23. Review status: criteria provided, single submitter. Criteria: Invitae Variant Classification Sherloc (09022015). Collection method: clinical testing. Allele origin: germline.
Comment: This sequence change replaces valine, which is neutral and non-polar, with methionine, which is neutral and non-polar, at codon 597 of the PALLD protein (p.Val597Met). This variant is not present in population databases (gnomAD no frequency). This variant has not been reported in the literature in individuals affected with PALLD-related conditions. ClinVar contains an entry for this variant (Variation ID: 659751). An algorithm developed to predict the effect of missense changes on protein structure and function (PolyPhen-2) suggests that this variant is likely to be disruptive. In summary, the available evidence is currently insufficient to determine the role of this variant in disease. Therefore, it has been classified as a Variant of Uncertain Significance.

Ambry Genetics
Classification: Uncertain significance. Last evaluated: 2024-01-21. Review status: criteria provided, single submitter. Criteria: Ambry Variant Classification Scheme 2023. Collection method: clinical testing. Allele origin: germline.
Comment: The p.V1084M variant (also known as c.3250G>A), located in coding exon 18 of the PALLD gene, results from a G to A substitution at nucleotide position 3250. The valine at codon 1084 is replaced by methionine, an amino acid with highly similar properties. This amino acid position is conserved. In addition, this alteration is predicted to be deleterious by in silico analysis. Since supporting evidence is limited at this time, the clinical significance of this alteration remains unclear.

NM_001166108.2(PALLD):c.3301G>A (p.Val1101Met)

Genes: CBR4 (carbonyl reductase 4; minus strand), PALLD (palladin, cytoskeletal associated protein; plus strand). Cytogenetic location: 4q32.3.
Variant type: single nucleotide variant.
Coding change: c.3301G>A on transcript NM_001166108.2 (MANE Select); coding-DNA position 3301, G replaced by A.
Protein change: p.Val1101Met; replaces valine 1101 with methionine.
Molecular consequence: missense variant.
Genome position (GRCh38, 1-based): chr4:168,925,021, G>A. VCF-style: chr4-168925021-G-A. GRCh37 (hg19) VCF-style: chr4-169846172-G-A.
Other names: c.2104G>A, p.Val702Met (NM_001166109.2); c.1789G>A, p.Val597Met (NM_001166110.2); c.1129G>A, p.Val377Met (NM_001367567.1, NM_001367569.1); c.1180G>A, p.Val394Met (NM_001367568.1, NM_001367570.1); c.3250G>A, p.Val1084Met (NM_016081.4); short protein forms V394M, V1084M, V377M, V1101M, V597M, V702M.
Identifiers: ClinVar variation 659751 (VCV000659751.13), dbSNP rs368806050, ClinGen allele CA109863471.
Genomic context (GRCh38, chr4:168,925,021, plus strand): 5'-CACGGCTACATCTGCCTGCTCATTCAGGGAGCCACAAAAGAAGATGCTGGGTGGTATACT[G>A]TGTCAGCCAAGAATGAAGCAGGGATTGTGTCCTGTACTGCCAGGCTGGACGTTTACAGTG-3'
Protein context (NP_001159580.1, residues 1091-1111): ATKEDAGWYT[Val1101Met]SAKNEAGIVS